The following is an entry in ClinVar:

NM_004706.4(ARHGEF1):c.2179G>A (p.Val727Ile)

Gene: ARHGEF1 (Rho guanine nucleotide exchange factor 1; plus strand). Cytogenetic location: 19q13.2.
Variant type: single nucleotide variant.
Coding change: c.2179G>A on transcript NM_004706.4 (MANE Select); coding-DNA position 2179, G replaced by A.
Protein change: p.Val727Ile; replaces valine 727 with isoleucine.
Molecular consequence: missense variant. On other transcripts: non-coding transcript variant (2).
Genome position (GRCh38, 1-based): chr19:41,904,966, G>A. VCF-style: chr19-41904966-G-A. GRCh37 (hg19) VCF-style: chr19-42409118-G-A.
Other names: c.2347G>A, p.Val783Ile (NM_001396000.1); c.2080G>A, p.Val694Ile (NM_001396002.1, NM_001396004.1, NM_198977.2); c.2179G>A, p.Val727Ile (NM_001396003.1, NM_001396006.1); c.2224G>A, p.Val742Ile (NM_199002.2); short protein forms V727I, V742I, V783I, V694I.
Identifiers: ClinVar variation 4698356 (VCV004698356.1).
Genomic context (GRCh38, chr19:41,904,966, plus strand): 5'-GGGGGACCTGGGCTCTGAGCCCCATCTCCCCCTCTCCCTGCAGATCACAAAGCCTTCTAC[G>A]TCCTTTTTACCTGGGACCAGGAGGCCCAGATATACGAGCTGGTGGCACAGACTGTGTCGG-3'
Protein context (NP_004697.2, residues 717-737): EVATDHKAFY[Val727Ile]LFTWDQEAQI

ClinVar aggregate classification (germline): Uncertain significance (1 of 4 stars; one submission).

gnomAD v4.1: 21 of 1,614,004 alleles (0.0013%); highest among the groups gnomAD compares: Non-Finnish European, 0.0016%; no homozygotes.

Submission:

Labcorp Genetics (formerly Invitae), Labcorp
Classification: Uncertain significance. Last evaluated: 2025-07-27. Review status: criteria provided, single submitter. Criteria: Invitae Variant Classification Sherloc (09022015). Collection method: clinical testing. Allele origin: germline.
Comment: This sequence change replaces valine, which is neutral and non-polar, with isoleucine, which is neutral and non-polar, at codon 742 of the ARHGEF1 protein (p.Val742Ile). This variant is present in population databases (rs140559109, gnomAD 0.003%). This variant has not been reported in the literature in individuals affected with ARHGEF1-related conditions. An algorithm developed to predict the effect of missense changes on protein structure and function (PolyPhen-2) suggests that this variant is likely to be tolerated. In summary, the available evidence is currently insufficient to determine the role of this variant in disease. Therefore, it has been classified as a Variant of Uncertain Significance.